The following is an entry in ClinVar:

ClinVar aggregate classification (germline): Pathogenic (1 of 4 stars; one submission).

Conditions:
Very long chain acyl-CoA dehydrogenase deficiency (ACADVLD). Also called: Very Long-Chain Acyl-Coenzyme A Dehydrogenase Deficiency; VLCAD Deficiency. Identifiers: Orphanet 26793, MedGen C3887523, MONDO:0008723, OMIM 201475.

Allele frequency attached by ClinVar (database versions not stated): TOPMed below 0.00001.

Submission:

Labcorp Genetics (formerly Invitae), Labcorp
Classification: Pathogenic for Very long chain acyl-CoA dehydrogenase deficiency. Last evaluated: 2023-10-09. Review status: criteria provided, single submitter. Criteria: Invitae Variant Classification Sherloc (09022015). Collection method: clinical testing. Allele origin: germline.
Comment: This sequence change replaces glycine, which is neutral and non-polar, with aspartic acid, which is acidic and polar, at codon 254 of the ACADVL protein (p.Gly254Asp). This variant is not present in population databases (gnomAD no frequency). This missense change has been observed in individual(s) with very long-chain acyl-CoA dehydrogenase deficiency (PMID: 28755359). Advanced modeling of protein sequence and biophysical properties (such as structural, functional, and spatial information, amino acid conservation, physicochemical variation, residue mobility, and thermodynamic stability) performed at Invitae indicates that this missense variant is expected to disrupt ACADVL protein function. This variant disrupts the p.Gly254 amino acid residue in ACADVL. Other variant(s) that disrupt this residue have been determined to be pathogenic (Invitae). This suggests that this residue is clinically significant, and that variants that disrupt this residue are likely to be disease-causing. For these reasons, this variant has been classified as Pathogenic.

Literature cited by the submitters: PubMed 28755359.

NM_000018.4(ACADVL):c.761G>A (p.Gly254Asp)

Gene: ACADVL (acyl-CoA dehydrogenase very long chain; plus strand). Cytogenetic location: 17p13.1.
Variant type: single nucleotide variant.
Coding change: c.761G>A on transcript NM_000018.4 (MANE Select); coding-DNA position 761, G replaced by A.
Protein change: p.Gly254Asp; replaces glycine 254 with aspartic acid.
Molecular consequence: missense variant.
Genome position (GRCh38, 1-based): chr17:7,222,185, G>A. VCF-style: chr17-7222185-G-A. GRCh37 (hg19) VCF-style: chr17-7125504-G-A.
Other names: c.695G>A, p.Gly232Asp (NM_001033859.3); c.830G>A, p.Gly277Asp (NM_001270447.2); c.533G>A, p.Gly178Asp (NM_001270448.2); short protein forms G232D, G277D, G178D, G254D.
Identifiers: ClinVar variation 2910410 (VCV002910410.3), dbSNP rs1452949965, ClinGen allele CA397723634.